The following is an entry in ClinVar:

NM_006031.6(PCNT):c.1022A>G (p.Gln341Arg)

Gene: PCNT (pericentrin; plus strand). Cytogenetic location: 21q22.3.
Variant type: single nucleotide variant.
Coding change: c.1022A>G on transcript NM_006031.6 (MANE Select); coding-DNA position 1022, A replaced by G.
Protein change: p.Gln341Arg; replaces glutamine 341 with arginine.
Molecular consequence: missense variant.
Genome position (GRCh38, 1-based): chr21:46,347,502, A>G. VCF-style: chr21-46347502-A-G. GRCh37 (hg19) VCF-style: chr21-47767416-A-G.
Other names: c.668A>G, p.Gln223Arg (NM_001315529.2); short protein forms Q223R, Q341R.
Identifiers: ClinVar variation 4980277 (VCV004980277.1).

ClinVar aggregate classification (germline): Uncertain significance (1 of 4 stars; one submission).

Conditions:
PCNT-related disorder. Also called: PCNT-related condition.

gnomAD v4.1: 8 of 1,614,110 alleles (0.0005%); highest among the groups gnomAD compares: South Asian, 0.0077%; no homozygotes.

Submission:

PreventionGenetics, part of Exact Sciences
Classification: Uncertain significance for PCNT-related condition. Last evaluated: 2026-06-22. Review status: criteria provided, single submitter. Criteria: ACMG Guidelines, 2015. Collection method: clinical testing. Allele origin: germline.
Comment: The PCNT c.1022A>G variant is predicted to result in the amino acid substitution p.Gln341Arg. To our knowledge, this variant has not been reported in the literature. This variant is reported in 0.0065% of alleles in individuals of South Asian descent in gnomAD. At this time, the clinical significance of this variant is uncertain due to the absence of conclusive functional and genetic evidence.